The following is an entry in ClinVar:

NM_032608.7(MYO18B):c.4543+3G>A

Genes: MYO18B (myosin XVIIIB; plus strand), MYO18B-AS1 (MYO18B antisense RNA 1; minus strand). Cytogenetic location: 22q12.1.
Variant type: single nucleotide variant.
Coding change: c.4543+3G>A on transcript NM_032608.7 (MANE Select); 3 bases into the intron after coding-DNA position 4543, G replaced by A.
Molecular consequence: intron variant.
Genome position (GRCh38, 1-based): chr22:25,891,415, G>A. VCF-style: chr22-25891415-G-A. GRCh37 (hg19) VCF-style: chr22-26287382-G-A.
Other names: c.4546+3G>A (NM_001318245.2).
Identifiers: ClinVar variation 1956214 (VCV001956214.2), dbSNP rs2091658595, ClinGen allele CA2398942870.

ClinVar aggregate classification (germline): Uncertain significance (1 of 4 stars; one submission).

Allele frequency attached by ClinVar (database versions not stated): gnomAD exomes below 0.00001; TOPMed below 0.00001.
gnomAD v4.1: 1 of 1,555,468 alleles (0.000064%); highest among the groups gnomAD compares: Admixed American, 0.0019%; no homozygotes.

Submission:

Labcorp Genetics (formerly Invitae), Labcorp
Classification: Uncertain significance. Last evaluated: 2022-04-25. Review status: criteria provided, single submitter. Criteria: Invitae Variant Classification Sherloc (09022015). Collection method: clinical testing. Allele origin: germline.
Comment: This sequence change falls in intron 27 of the MYO18B gene. It does not directly change the encoded amino acid sequence of the MYO18B protein. It affects a nucleotide within the consensus splice site. This variant is not present in population databases (gnomAD no frequency). This variant has not been reported in the literature in individuals affected with MYO18B-related conditions. Variants that disrupt the consensus splice site are a relatively common cause of aberrant splicing (PMID: 17576681, 9536098). Algorithms developed to predict the effect of sequence changes on RNA splicing suggest that this variant is not likely to affect RNA splicing. In summary, the available evidence is currently insufficient to determine the role of this variant in disease. Therefore, it has been classified as a Variant of Uncertain Significance.

Literature cited by the submitters: PubMed 17576681; PubMed 9536098.